The following is an entry in ClinVar:

ClinVar aggregate classification (germline): Uncertain significance (1 of 4 stars; one submission).

Submission:

Labcorp Genetics (formerly Invitae), Labcorp
Classification: Uncertain significance. Last evaluated: 2022-09-12. Review status: criteria provided, single submitter. Criteria: Invitae Variant Classification Sherloc (09022015). Collection method: clinical testing. Allele origin: germline.
Comment: In summary, the available evidence is currently insufficient to determine the role of this variant in disease. Therefore, it has been classified as a Variant of Uncertain Significance. This variant has not been reported in the literature in individuals affected with SLC18A3-related conditions. This variant is not present in population databases (gnomAD no frequency). This sequence change affects codon 273 of the SLC18A3 mRNA. It is a 'silent' change, meaning that it does not change the encoded amino acid sequence of the SLC18A3 protein.

NM_003055.3(SLC18A3):c.819G>C (p.Arg273=)

Genes: CHAT (choline O-acetyltransferase; plus strand), SLC18A3 (solute carrier family 18 member A3; plus strand). Cytogenetic location: 10q11.23.
Variant type: single nucleotide variant.
Coding change: c.819G>C on transcript NM_003055.3 (MANE Select); coding-DNA position 819, G replaced by C.
Protein change: p.Arg273=; no amino-acid change (arginine 273 retained).
Molecular consequence: synonymous variant. On other transcripts: intron variant (1).
Genome position (GRCh38, 1-based): chr10:49,611,559, G>C. VCF-style: chr10-49611559-G-C. GRCh37 (hg19) VCF-style: chr10-50819605-G-C.
Other names: c.-69+2360G>C (NM_020984.4).
Identifiers: ClinVar variation 2030099 (VCV002030099.4), dbSNP rs2496272705, ClinGen allele CA469791143.